The following is an entry in ClinVar:

ClinVar aggregate classification (germline): Pathogenic/Likely pathogenic. Review status: criteria provided, multiple submitters, no conflicts (2 of 4 stars). 2 submissions from 2 submitters: Pathogenic (1); Likely pathogenic (1). Last evaluated 2023-05-10.

Conditions:
PAX3-related disorder. Also called: PAX3-related condition.

Submissions (2):

PreventionGenetics, part of Exact Sciences
Classification: Likely pathogenic for PAX3-related condition. Last evaluated: 2023-05-10. Review status: criteria provided, single submitter. Criteria: ACMG Guidelines, 2015. Collection method: clinical testing. Allele origin: germline.
Comment: The PAX3 c.668G>T variant is predicted to result in the amino acid substitution p.Arg223Leu. This variant has been reported in the heterozygous state in a patient with Waardenburg syndrome and congenital exotropia (Huang. 2022 PubMed ID: 36118891). This variant has not been reported in a large population database, indicating this variant is rare. A different substitution at this amino acid position (p.Arg223Gln) has been reported in multiple patients with Waardenburg syndrome (DeStefano et al. 1998. PubMed ID: 9654197; Kim et al. 2015. PubMed ID: 26512583; Wang et al. 2021. PubMed ID: 34142234). This variant is interpreted as likely pathogenic.

Labcorp Genetics (formerly Invitae), Labcorp
Classification: Pathogenic. Last evaluated: 2022-09-19. Review status: criteria provided, single submitter. Criteria: Invitae Variant Classification Sherloc (09022015). Collection method: clinical testing. Allele origin: germline.
Comment: For these reasons, this variant has been classified as Pathogenic. This variant disrupts the p.Arg223 amino acid residue in PAX3. Other variant(s) that disrupt this residue have been determined to be pathogenic (PMID: 9654197, 26512583). This suggests that this residue is clinically significant, and that variants that disrupt this residue are likely to be disease-causing. Advanced modeling of protein sequence and biophysical properties (such as structural, functional, and spatial information, amino acid conservation, physicochemical variation, residue mobility, and thermodynamic stability) has been performed at Invitae for this missense variant, however the output from this modeling did not meet the statistical confidence thresholds required to predict the impact of this variant on PAX3 protein function. This missense change has been observed in individual(s) with autosomal dominant Waardenburg syndrome (Invitae). In at least one individual the variant was observed to be de novo. This variant is not present in population databases (gnomAD no frequency). This sequence change replaces arginine, which is basic and polar, with leucine, which is neutral and non-polar, at codon 223 of the PAX3 protein (p.Arg223Leu).

Literature cited by the submitters: PubMed 9654197 (cited by Labcorp Genetics (formerly Invitae), Labcorp); PubMed 26512583 (cited by Labcorp Genetics (formerly Invitae), Labcorp).

NM_181458.4(PAX3):c.668G>T (p.Arg223Leu)

Gene: PAX3 (paired box 3; minus strand). Cytogenetic location: 2q36.1.
Variant type: single nucleotide variant.
Coding change: c.668G>T on transcript NM_181458.4 (MANE Select); coding-DNA position 668, G replaced by T.
Protein change: p.Arg223Leu; replaces arginine 223 with leucine.
Molecular consequence: missense variant.
Genome position (GRCh38, 1-based): chr2:222,232,202, C>A on the plus strand (G>T on the coding strand, the complement: PAX3 is on the minus strand). VCF-style: chr2-222232202-C-A. GRCh37 (hg19) VCF-style: chr2-223096921-C-A.
Other names: c.668G>T (NM_181457.3); c.668G>T, p.Arg223Leu (NM_181459.4, NM_181460.4, NM_181461.4 and 1 more transcripts); c.665G>T, p.Arg222Leu (NM_001127366.3); short protein forms R222L, R223L.
Identifiers: ClinVar variation 1997771 (VCV001997771.5), dbSNP rs876657717, ClinGen allele CA351112613.